The following is an entry in ClinVar:

ClinVar aggregate classification (germline): Uncertain significance. Review status: criteria provided, multiple submitters, no conflicts (2 of 4 stars). 2 submissions from 2 submitters: Uncertain significance (2). Last evaluated 2024-02-28.

Conditions:
Glycogen storage disease due to muscle and heart glycogen synthase deficiency. Also called: MUSCLE GLYCOGEN SYNTHASE DEFICIENCY; GSD 0b. Identifiers: Orphanet 137625, MedGen C1969054, MONDO:0012693, OMIM 611556.
Inborn genetic diseases. Identifiers: MedGen C0950123, MeSH D030342.

Allele frequency attached by ClinVar (database versions not stated): ExAC 0.00001; gnomAD exomes 0.00001 and 0.00004; TOPMed 0.00002.
gnomAD v4.1: 58 of 1,613,830 alleles (0.0036%); highest among the groups gnomAD compares: Non-Finnish European, 0.0047%; no homozygotes.

Submissions (2):

Ambry Genetics
Classification: Uncertain significance for Inborn genetic diseases. Last evaluated: 2024-02-28. Review status: criteria provided, single submitter. Criteria: Ambry Variant Classification Scheme 2023. Collection method: clinical testing. Allele origin: germline.

Labcorp Genetics (formerly Invitae), Labcorp
Classification: Uncertain significance for Glycogen storage disease due to muscle and heart glycogen synthase deficiency. Last evaluated: 2021-08-03. Review status: criteria provided, single submitter. Criteria: Invitae Variant Classification Sherloc (09022015). Collection method: clinical testing. Allele origin: germline.
Comment: In summary, the available evidence is currently insufficient to determine the role of this variant in disease. Therefore, it has been classified as a Variant of Uncertain Significance. Algorithms developed to predict the effect of missense changes on protein structure and function are either unavailable or do not agree on the potential impact of this missense change (SIFT: "Deleterious"; PolyPhen-2: "Possibly Damaging"; Align-GVGD: "Class C0"). This variant has not been reported in the literature in individuals with GYS1-related conditions. This variant is present in population databases (rs754411503, ExAC 0.002%). This sequence change replaces serine with phenylalanine at codon 93 of the GYS1 protein (p.Ser93Phe). The serine residue is moderately conserved and there is a large physicochemical difference between serine and phenylalanine.

NM_002103.5(GYS1):c.278C>T (p.Ser93Phe)

Gene: GYS1 (glycogen synthase 1; minus strand). Cytogenetic location: 19q13.33.
Variant type: single nucleotide variant.
Coding change: c.278C>T on transcript NM_002103.5 (MANE Select); coding-DNA position 278, C replaced by T.
Protein change: p.Ser93Phe; replaces serine 93 with phenylalanine.
Molecular consequence: missense variant.
Genome position (GRCh38, 1-based): chr19:48,991,324, G>A on the plus strand (C>T on the coding strand, the complement: GYS1 is on the minus strand). VCF-style: chr19-48991324-G-A. GRCh37 (hg19) VCF-style: chr19-49494581-G-A.
Other names: c.278C>T, p.Ser93Phe (NM_001161587.2); short protein forms S93F.
Identifiers: ClinVar variation 854343 (VCV000854343.8), dbSNP rs754411503, ClinGen allele CA9563406.